The following is an entry in ClinVar:

ClinVar aggregate classification (germline): Uncertain significance. Review status: criteria provided, multiple submitters, no conflicts (2 of 4 stars). 2 submissions from 2 submitters: Uncertain significance (2). Last evaluated 2026-04-27.

Conditions:
Cardiovascular phenotype. Identifiers: MedGen CN230736.

gnomAD v4.1: 5 of 1,614,038 alleles (0.00031%); highest among the groups gnomAD compares: Non-Finnish European, 0.00042%; no homozygotes.

Submissions (2):

Ambry Genetics
Classification: Uncertain significance for Cardiovascular phenotype. Last evaluated: 2026-04-27. Review status: criteria provided, single submitter. Criteria: Ambry Variant Classification Scheme 2023. Collection method: clinical testing. Allele origin: germline.
Comment: The p.A2795V variant (also known as c.8384C>T), located in coding exon 26 of the APOB gene, results from a C to T substitution at nucleotide position 8384. The alanine at codon 2795 is replaced by valine, an amino acid with similar properties. This amino acid position is conserved. In addition, this alteration is predicted to be tolerated by in silico analysis. Based on the available evidence, the clinical significance of this variant remains unclear.

GeneDx
Classification: Uncertain significance. Last evaluated: 2026-03-21. Review status: criteria provided, single submitter. Criteria: GeneDx Variant Classification Process June 2021. Collection method: clinical testing. Allele origin: germline.
Comment: Not observed at significant frequency in large population cohorts (gnomAD); In silico analysis supports that this missense variant has a deleterious effect on protein structure/function; Has not been previously published as pathogenic or benign to our knowledge

NM_000384.3(APOB):c.8384C>T (p.Ala2795Val)

Gene: APOB (apolipoprotein B; minus strand). Cytogenetic location: 2p24.1.
Variant type: single nucleotide variant.
Coding change: c.8384C>T on transcript NM_000384.3 (MANE Select); coding-DNA position 8384, C replaced by T.
Protein change: p.Ala2795Val; replaces alanine 2795 with valine.
Molecular consequence: missense variant.
Genome position (GRCh38, 1-based): chr2:21,008,484, G>A on the plus strand (C>T on the coding strand, the complement: APOB is on the minus strand). VCF-style: chr2-21008484-G-A. GRCh37 (hg19) VCF-style: chr2-21231356-G-A.
Other names: short protein forms A2795V.
Identifiers: ClinVar variation 4862628 (VCV004862628.2).